The following is an entry in ClinVar:

NM_005685.4(GTF2IRD1):c.1848C>T (p.Asn616=)

Gene: GTF2IRD1 (GTF2I repeat domain containing 1; plus strand). Cytogenetic location: 7q11.23.
Variant type: single nucleotide variant.
Coding change: c.1848C>T on transcript NM_005685.4 (MANE Select); coding-DNA position 1848, C replaced by T.
Protein change: p.Asn616=; no amino-acid change (asparagine 616 retained).
Molecular consequence: synonymous variant.
Genome position (GRCh38, 1-based): chr7:74,547,218, C>T. VCF-style: chr7-74547218-C-T. GRCh37 (hg19) VCF-style: chr7-73961548-C-T.
Other names: c.1944C>T, p.Asn648= (NM_001199207.2); c.1848C>T, p.Asn616= (NM_001410888.1, NM_016328.3).
Identifiers: ClinVar variation 3778221 (VCV003778221.7).

ClinVar aggregate classification (germline): Likely benign (1 of 4 stars; one submission).

gnomAD v4.1: 5 of 1,613,504 alleles (0.00031%); highest among the groups gnomAD compares: Admixed American, 0.0017%; no homozygotes.

Submission:

CeGaT Center for Human Genetics Tuebingen
Classification: Likely benign. Last evaluated: 2025-03-01. Review status: criteria provided, single submitter. Criteria: CeGaT Center For Human Genetics Tuebingen Variant Classification Criteria Version 2. Collection method: clinical testing. Allele origin: germline. Affected: yes. Observed: 1 variant allele.
Comment: GTF2IRD1: BP4, BP7